The following is an entry in ClinVar:

ClinVar aggregate classification (germline): Uncertain significance (1 of 4 stars; one submission).

Allele frequency attached by ClinVar (database versions not stated): gnomAD exomes 0.00008 and 0.00011; ExAC 0.00012; ESP Exome Variant Server 0.00023; gnomAD 0.00038; 1000 Genomes Project 0.00040; TOPMed 0.00041; 1000 Genomes Project 30x 0.00047.
gnomAD v4.1: 177 of 1,613,284 alleles (0.011%); highest among the groups gnomAD compares: African/African-American, 0.085%; no homozygotes.

Submission:

Labcorp Genetics (formerly Invitae), Labcorp
Classification: Uncertain significance. Last evaluated: 2024-01-24. Review status: criteria provided, single submitter. Criteria: Invitae Variant Classification Sherloc (09022015). Collection method: clinical testing. Allele origin: germline.
Comment: This sequence change replaces lysine, which is basic and polar, with glutamine, which is neutral and polar, at codon 357 of the SLC25A3 protein (p.Lys357Gln). This variant is present in population databases (rs79081160, gnomAD 0.05%). This variant has not been reported in the literature in individuals affected with SLC25A3-related conditions. ClinVar contains an entry for this variant (Variation ID: 1352863). An algorithm developed to predict the effect of missense changes on protein structure and function (PolyPhen-2) suggests that this variant is likely to be disruptive. In summary, the available evidence is currently insufficient to determine the role of this variant in disease. Therefore, it has been classified as a Variant of Uncertain Significance.

NM_002635.4(SLC25A3):c.1066A>C (p.Lys356Gln)

Gene: SLC25A3 (solute carrier family 25 member 3; plus strand). Cytogenetic location: 12q23.1.
Variant type: single nucleotide variant.
Coding change: c.1066A>C on transcript NM_002635.4 (MANE Select); coding-DNA position 1066, A replaced by C.
Protein change: p.Lys356Gln; replaces lysine 356 with glutamine.
Molecular consequence: missense variant.
Genome position (GRCh38, 1-based): chr12:98,601,508, A>C. VCF-style: chr12-98601508-A-C. GRCh37 (hg19) VCF-style: chr12-98995286-A-C.
Other names: c.1069A>C, p.Lys357Gln (NM_005888.4); c.1066A>C, p.Lys356Gln (NM_213611.3); short protein forms K356Q, K357Q.
Identifiers: ClinVar variation 1352863 (VCV001352863.4), dbSNP rs79081160, ClinGen allele CA6733178.